The following is an entry in ClinVar:

ClinVar aggregate classification (germline): Uncertain significance (1 of 4 stars; one submission).

Allele frequency attached by ClinVar (database versions not stated): gnomAD exomes below 0.00001; ExAC 0.00002; ESP Exome Variant Server 0.00008; 1000 Genomes Project 30x 0.00016; 1000 Genomes Project 0.00020.
gnomAD v4.1: 16 of 1,607,074 alleles (0.001%); highest among the groups gnomAD compares: African/African-American, 0.017%; no homozygotes.

Submission:

Labcorp Genetics (formerly Invitae), Labcorp
Classification: Uncertain significance. Last evaluated: 2022-09-13. Review status: criteria provided, single submitter. Criteria: Invitae Variant Classification Sherloc (09022015). Collection method: clinical testing. Allele origin: germline.
Comment: This sequence change replaces arginine, which is basic and polar, with glutamine, which is neutral and polar, at codon 313 of the GNAT2 protein (p.Arg313Gln). This variant is present in population databases (rs368195234, gnomAD 0.03%). This variant has not been reported in the literature in individuals affected with GNAT2-related conditions. Advanced modeling of protein sequence and biophysical properties (such as structural, functional, and spatial information, amino acid conservation, physicochemical variation, residue mobility, and thermodynamic stability) performed at Invitae indicates that this missense variant is not expected to disrupt GNAT2 protein function. In summary, the available evidence is currently insufficient to determine the role of this variant in disease. Therefore, it has been classified as a Variant of Uncertain Significance.

NM_001377295.2(GNAT2):c.938G>A (p.Arg313Gln)

Gene: GNAT2 (G protein subunit alpha transducin 2; minus strand). Cytogenetic location: 1p13.3.
Variant type: single nucleotide variant.
Coding change: c.938G>A on transcript NM_001377295.2 (MANE Select); coding-DNA position 938, G replaced by A.
Protein change: p.Arg313Gln; replaces arginine 313 with glutamine.
Molecular consequence: missense variant.
Genome position (GRCh38, 1-based): chr1:109,603,481, C>T on the plus strand (G>A on the coding strand, the complement: GNAT2 is on the minus strand). VCF-style: chr1-109603481-C-T. GRCh37 (hg19) VCF-style: chr1-110146103-C-T.
Other names: c.938G>A, p.Arg313Gln (NM_001379232.1, NM_005272.5); short protein forms R313Q.
Identifiers: ClinVar variation 1919255 (VCV001919255.2), dbSNP rs368195234, ClinGen allele CA992264.